The following is an entry in ClinVar:

ClinVar aggregate classification (germline): Uncertain significance (1 of 4 stars; one submission).

Allele frequency attached by ClinVar (database versions not stated): gnomAD exomes below 0.00001.
gnomAD v4.1: 1 of 1,614,244 alleles (0.000062%); highest among the groups gnomAD compares: Admixed American, 0.0017%; no homozygotes.

Submission:

Labcorp Genetics (formerly Invitae), Labcorp
Classification: Uncertain significance. Last evaluated: 2022-01-21. Review status: criteria provided, single submitter. Criteria: Invitae Variant Classification Sherloc (09022015). Collection method: clinical testing. Allele origin: germline.
Comment: This variant has not been reported in the literature in individuals affected with ABCA1-related conditions. This variant is present in population databases (no rsID available, gnomAD 0.003%). This sequence change replaces threonine, which is neutral and polar, with alanine, which is neutral and non-polar, at codon 1325 of the ABCA1 protein (p.Thr1325Ala). Advanced modeling of protein sequence and biophysical properties (such as structural, functional, and spatial information, amino acid conservation, physicochemical variation, residue mobility, and thermodynamic stability) performed at Invitae indicates that this missense variant is not expected to disrupt ABCA1 protein function. In summary, the available evidence is currently insufficient to determine the role of this variant in disease. Therefore, it has been classified as a Variant of Uncertain Significance.

NM_005502.4(ABCA1):c.3973A>G (p.Thr1325Ala)

Gene: ABCA1 (ATP binding cassette subfamily A member 1; minus strand). Cytogenetic location: 9q31.1.
Variant type: single nucleotide variant.
Coding change: c.3973A>G on transcript NM_005502.4 (MANE Select); coding-DNA position 3973, A replaced by G.
Protein change: p.Thr1325Ala; replaces threonine 1325 with alanine.
Molecular consequence: missense variant.
Genome position (GRCh38, 1-based): chr9:104,812,651, T>C on the plus strand (A>G on the coding strand, the complement: ABCA1 is on the minus strand). VCF-style: chr9-104812651-T-C. GRCh37 (hg19) VCF-style: chr9-107574932-T-C.
Other names: short protein forms T1325A.
Identifiers: ClinVar variation 2088666 (VCV002088666.4), dbSNP rs1320976395, ClinGen allele CA374317142.
Genomic context (GRCh38, chr9:104,812,651, plus strand): 5'-TCCGACTCCGTCTGGCAATTAGCAGTCTCTTCCACAAAAGGGCCACAAACTGTTGCTGTG[T>C]AAGTTTCCAGCCTTTCACCTGGTAGGACCCTTTGCCATCCATCCCACTGAGCAAGTCTGT-3'
Protein context (NP_005493.2, residues 1315-1335): GSYQVKGWKL[Thr1325Ala]QQQFVALLWK